The following is an entry in ClinVar:

NM_004656.4(BAP1):c.1378_1379del (p.Ser460fs)

Gene: BAP1 (BRCA1 associated deubiquitinase 1; minus strand). Cytogenetic location: 3p21.1.
Variant type: Microsatellite.
Coding change: c.1378_1379del on transcript NM_004656.4 (MANE Select); coding-DNA positions 1378 to 1379, 2 bases deleted (TC; older notation c.1378_1379delTC).
Protein change: p.Ser460fs; shifts the reading frame from serine 460.
Molecular consequence: frameshift variant.
Genome position (GRCh38, 1-based): chr3:52,403,766-52,403,767, GA deleted on the plus strand (TC on the coding strand, the reverse complement: BAP1 is on the minus strand); deleting any 2 consecutive bases within chr3:52,403,766-52,403,770 gives the same sequence; the c. name uses the placement nearest the transcript's 3' end. VCF-style (leftmost placement, unchanged base first): chr3-52403765-TGA-T. GRCh37 (hg19) VCF-style: chr3-52437781-TGA-T.
Other names: c.1324_1325del, p.Ser442fs (NM_001410772.1); short protein forms S442fs, S460fs.
Identifiers: ClinVar variation 3662501 (VCV003662501.2).

ClinVar aggregate classification (germline): Pathogenic (1 of 4 stars; one submission).

Conditions:
BAP1-related tumor predisposition syndrome (TPDS1). Also called: Tumor susceptibility linked to germline BAP1 mutations; COMMON Syndrome; TUMOR PREDISPOSITION SYNDROME 1; BAP1 tumor predisposition syndrome. Identifiers: Orphanet 289539, MedGen C3280492, MONDO:0013692, OMIM 614327.

Submission:

Labcorp Genetics (formerly Invitae), Labcorp
Classification: Pathogenic for BAP1-related tumor predisposition syndrome. Last evaluated: 2024-10-10. Review status: criteria provided, single submitter. Criteria: Invitae Variant Classification Sherloc (09022015). Collection method: clinical testing. Allele origin: germline.
Comment: This sequence change creates a premature translational stop signal (p.Ser460Asnfs*8) in the BAP1 gene. It is expected to result in an absent or disrupted protein product. Loss-of-function variants in BAP1 are known to be pathogenic (PMID: 21874000, 23684012). This variant is not present in population databases (gnomAD no frequency). This variant has not been reported in the literature in individuals affected with BAP1-related conditions. For these reasons, this variant has been classified as Pathogenic.

Literature cited by the submitters: PubMed 21874000; PubMed 23684012.